The following is an entry in ClinVar:

ClinVar aggregate classification (germline): Uncertain significance. Review status: criteria provided, multiple submitters, no conflicts (2 of 4 stars). 2 submissions from 2 submitters: Uncertain significance (2). Last evaluated 2024-04-24.

Conditions:
Inborn genetic diseases. Identifiers: MedGen C0950123, MeSH D030342.

Submissions (2):

Ambry Genetics
Classification: Uncertain significance for Inborn genetic diseases. Last evaluated: 2024-04-24. Review status: criteria provided, single submitter. Criteria: Ambry Variant Classification Scheme 2023. Collection method: clinical testing. Allele origin: germline.

GeneDx
Classification: Uncertain significance. Last evaluated: 2023-12-06. Review status: criteria provided, single submitter. Criteria: GeneDx Variant Classification Process June 2021. Collection method: clinical testing. Allele origin: germline. Affected: yes.
Comment: Not observed at significant frequency in large population cohorts (gnomAD); In silico analysis supports that this missense variant has a deleterious effect on protein structure/function; Has not been previously published as pathogenic or benign to our knowledge

NM_006565.4(CTCF):c.830G>A (p.Arg277Gln)

Gene: CTCF (CCCTC-binding factor; plus strand). Cytogenetic location: 16q22.1.
Variant type: single nucleotide variant.
Coding change: c.830G>A on transcript NM_006565.4 (MANE Select); coding-DNA position 830, G replaced by A.
Protein change: p.Arg277Gln; replaces arginine 277 with glutamine.
Molecular consequence: missense variant. On other transcripts: intron variant (1).
Genome position (GRCh38, 1-based): chr16:67,611,999, G>A. VCF-style: chr16-67611999-G-A. GRCh37 (hg19) VCF-style: chr16-67645902-G-A.
Other names: c.830G>A, p.Arg277Gln (NM_001363916.2); c.-32-4746G>A (NM_001191022.2); short protein forms R277Q.
Identifiers: ClinVar variation 3270025 (VCV003270025.2).